The following is an entry in ClinVar:

ClinVar aggregate classification (germline): Likely benign. Review status: criteria provided, multiple submitters, no conflicts (2 of 4 stars). 2 submissions from 2 submitters: Likely benign (2). Last evaluated 2018-06-14.

Allele frequency attached by ClinVar (database versions not stated): 1000 Genomes Project 0.02117; 1000 Genomes Project 30x 0.02139; TOPMed 0.02954; gnomAD 0.03231 and 0.03248.
gnomAD v4.1: 28,997 of 748,004 alleles (3.9%); highest among the groups gnomAD compares: Non-Finnish European, 4.8%; 683 homozygotes.

Submissions (2):

GeneDx
Classification: Likely benign. Last evaluated: 2018-06-14. Review status: criteria provided, single submitter. Criteria: GeneDx Variant Classification (06012015). Collection method: clinical testing. Allele origin: germline. Affected: yes.
Comment: This variant is considered likely benign or benign based on one or more of the following criteria: it is a conservative change, it occurs at a poorly conserved position in the protein, it is predicted to be benign by multiple in silico algorithms, and/or has population frequency not consistent with disease.

Breakthrough Genomics
Classification: Likely benign. Review status: criteria provided, single submitter. Criteria: ACMG Guidelines, 2015. Collection method: not provided. Allele origin: germline. Inheritance: Unknown mechanism. Affected: yes.

NM_144736.5(NDUFAF7):c.408+127T>C

Gene: NDUFAF7 (NADH:ubiquinone oxidoreductase complex assembly factor 7; plus strand). Cytogenetic location: 2p22.2.
Variant type: single nucleotide variant.
Coding change: c.408+127T>C on transcript NM_144736.5 (MANE Select); 127 bases into the intron after coding-DNA position 408, T replaced by C.
Molecular consequence: intron variant.
Genome position (GRCh38, 1-based): chr2:37,237,994, T>C. VCF-style: chr2-37237994-T-C. GRCh37 (hg19) VCF-style: chr2-37465137-T-C.
Other names: c.408+127T>C (NM_001350024.2, NM_001350027.2); c.327+127T>C (NM_001350025.2, NM_001083946.2).
Identifiers: ClinVar variation 676279 (VCV000676279.2), dbSNP rs75490807, ClinGen allele CA45470620.